The following is an entry in ClinVar:

NM_004438.5(EPHA4):c.2376G>A (p.Ala792=)

Gene: EPHA4 (EPH receptor A4; minus strand). Cytogenetic location: 2q36.1.
Variant type: single nucleotide variant.
Coding change: c.2376G>A on transcript NM_004438.5 (MANE Select); coding-DNA position 2376, G replaced by A.
Protein change: p.Ala792=; no amino-acid change (alanine 792 retained).
Molecular consequence: synonymous variant.
Genome position (GRCh38, 1-based): chr2:221,434,262, C>T on the plus strand (G>A on the coding strand, the complement: EPHA4 is on the minus strand). VCF-style: chr2-221434262-C-T. GRCh37 (hg19) VCF-style: chr2-222298982-C-T.
Other names: c.2376G>A, p.Ala792= (NM_001304536.2, NM_001363748.2); c.2223G>A, p.Ala741= (NM_001304537.2).
Identifiers: ClinVar variation 791894 (VCV000791894.11), dbSNP rs141789136, ClinGen allele CA2134780.
Genomic context (GRCh38, chr2:221,434,262, plus strand): 5'-GATTCCATAGCTCCATACATCACTTGCTGATGTGAATTTACGATAGGCAATTGCTTCTGG[C>T]GCAGTCCACCGGATAGGAATCTTGCCACCCTGTGAACATTTGAGCCATAAGTTATTCCTT-3'
Protein context (NP_004429.1, residues 782-802): RGGKIPIRWT[Ala792=]PEAIAYRKFT

ClinVar aggregate classification (germline): Benign. Review status: criteria provided, single submitter (1 of 4 stars). 2 submissions from 2 submitters: Benign (1). 1 of the submissions does not count toward it. Last evaluated 2025-11-10.

Conditions:
EPHA4-related disorder. Also called: EPHA4-related condition.

Allele frequency attached by ClinVar (database versions not stated): ESP Exome Variant Server 0.00185; TOPMed 0.00252; 1000 Genomes Project 30x 0.00265; 1000 Genomes Project 0.00319.
gnomAD v4.1: 767 of 1,614,042 alleles (0.048%); highest among the groups gnomAD compares: African/African-American, 0.77%; 10 homozygotes.

Submissions (2):

Labcorp Genetics (formerly Invitae), Labcorp
Classification: Benign. Last evaluated: 2025-11-10. Review status: criteria provided, single submitter. Criteria: Invitae Variant Classification Sherloc (09022015). Collection method: clinical testing. Allele origin: germline.

PreventionGenetics, part of Exact Sciences
Classification: Likely benign for EPHA4-related condition. Last evaluated: 2023-04-14. Review status: no assertion criteria provided. Collection method: clinical testing. Allele origin: germline. Not counted in ClinVar's aggregate classification.
Comment: This variant is classified as likely benign based on ACMG/AMP sequence variant interpretation guidelines (Richards et al. 2015 PMID: 25741868, with internal and published modifications).